The following is an entry in ClinVar:

ClinVar aggregate classification (germline): Likely pathogenic (1 of 4 stars; one submission).

Conditions:
Juvenile polyposis syndrome (JPS). Identifiers: Orphanet 2929, MedGen C0345893, MONDO:0017380, OMIM 174900.

Submission:

Labcorp Genetics (formerly Invitae), Labcorp
Classification: Likely pathogenic for Juvenile polyposis syndrome. Last evaluated: 2021-11-12. Review status: criteria provided, single submitter. Criteria: Invitae Variant Classification Sherloc (09022015). Collection method: clinical testing. Allele origin: germline.
Comment: This sequence change affects a donor splice site in intron 5 of the BMPR1A gene. It is expected to disrupt RNA splicing. Variants that disrupt the donor or acceptor splice site typically lead to a loss of protein function (PMID: 16199547), and loss-of-function variants in BMPR1A are known to be pathogenic (PMID: 11536076, 12417513). This variant is not present in population databases (gnomAD no frequency). This variant has not been reported in the literature in individuals affected with BMPR1A-related conditions. Algorithms developed to predict the effect of sequence changes on RNA splicing suggest that this variant may disrupt the consensus splice site. In summary, the currently available evidence indicates that the variant is pathogenic, but additional data are needed to prove that conclusively. Therefore, this variant has been classified as Likely Pathogenic.

Literature cited by the submitters: PubMed 16199547; PubMed 11536076; PubMed 12417513.

NM_004329.3(BMPR1A):c.333+2T>A

Gene: BMPR1A (bone morphogenetic protein receptor type 1A; plus strand). Cytogenetic location: 10q23.2.
Variant type: single nucleotide variant.
Coding change: c.333+2T>A on transcript NM_004329.3 (MANE Select); the canonical splice donor site of the intron after coding-DNA position 333, T replaced by A.
Molecular consequence: splice donor variant.
Genome position (GRCh38, 1-based): chr10:86,892,231, T>A. VCF-style: chr10-86892231-T-A. GRCh37 (hg19) VCF-style: chr10-88651988-T-A.
Other names: c.333+2T>A (NM_001406573.1, NM_001406576.1, NM_001406575.1 and 23 more transcripts); c.249+2T>A (NM_001406584.1, NM_001406588.1, NM_001406587.1 and 2 more transcripts).
Identifiers: ClinVar variation 1500697 (VCV001500697.6), dbSNP rs2133409163, ClinGen allele CA377448420.
Genomic context (GRCh38, chr10:86,892,231, plus strand): 5'-GAGAAACCACATTAGCTTCAGGGTGTATGAAATATGAAGGATCTGATTTTCAGTGCAAAG[T>A]AAGATATAATTTGGGACCCATGAGACAAAGAAGGGAGGGGCCATATGAAAGCATCGATTT-3'